The following is an entry in ClinVar:

ClinVar aggregate classification (germline): Likely benign. Review status: criteria provided, multiple submitters, no conflicts (2 of 4 stars). 4 submissions from 4 submitters: Likely benign (4). Last evaluated 2026-06-24.

Conditions:
TRPV4-related disorder. Also called: TRPV4-related disorders; TRPV4-related condition.
Inborn genetic diseases. Identifiers: MedGen C0950123, MeSH D030342.
Charcot-Marie-Tooth disease axonal type 2C (HMSN2C). Also called: CHARCOT-MARIE-TOOTH DISEASE, AXONAL, AUTOSOMAL DOMINANT, TYPE 2C; Charcot-Marie-Tooth Neuropathy Type 2C; Charcot-Marie-Tooth Disease Type 2, TRPV4-Related (CMT2C). Identifiers: Orphanet 99937, MedGen C1853710, MONDO:0011633, OMIM 606071.

Allele frequency attached by ClinVar (database versions not stated): gnomAD 0.00001; gnomAD exomes 0.00002 and 0.00006; TOPMed 0.00003; ExAC 0.00007.

Submissions (4):

PreventionGenetics, part of Exact Sciences
Classification: Likely benign for TRPV4-related condition. Last evaluated: 2026-06-24. Review status: criteria provided, single submitter. Criteria: ACMG Guidelines, 2015. Collection method: clinical testing. Allele origin: germline.
Comment: This variant is classified as likely benign based on ACMG/AMP sequence variant interpretation guidelines (Richards et al. 2015 PMID: 25741868, with internal and published modifications).

Labcorp Genetics (formerly Invitae), Labcorp
Classification: Likely benign for Charcot-Marie-Tooth disease axonal type 2C. Last evaluated: 2023-08-25. Review status: criteria provided, single submitter. Criteria: Invitae Variant Classification Sherloc (09022015). Collection method: clinical testing. Allele origin: germline.

Ambry Genetics
Classification: Likely benign for Inborn genetic diseases. Last evaluated: 2019-07-11. Review status: criteria provided, single submitter. Criteria: Ambry Variant Classification Scheme 2023. Collection method: clinical testing. Allele origin: germline.

GeneDx
Classification: Likely benign. Last evaluated: 2016-05-13. Review status: criteria provided, single submitter. Criteria: GeneDx Variant Classification (06012015). Collection method: clinical testing. Allele origin: germline. Affected: yes.
Comment: This variant is considered likely benign or benign based on one or more of the following criteria: it is a conservative change, it occurs at a poorly conserved position in the protein, it is predicted to be benign by multiple in silico algorithms, and/or has population frequency not consistent with disease.

NM_021625.5(TRPV4):c.2226G>A (p.Leu742=)

Gene: TRPV4 (transient receptor potential cation channel subfamily V member 4; minus strand). Cytogenetic location: 12q24.11.
Variant type: single nucleotide variant.
Coding change: c.2226G>A on transcript NM_021625.5 (MANE Select); coding-DNA position 2226, G replaced by A.
Protein change: p.Leu742=; no amino-acid change (leucine 742 retained).
Molecular consequence: synonymous variant.
Genome position (GRCh38, 1-based): chr12:109,786,820, C>T on the plus strand (G>A on the coding strand, the complement: TRPV4 is on the minus strand). VCF-style: chr12-109786820-C-T. GRCh37 (hg19) VCF-style: chr12-110224625-C-T.
Other names: c.2124G>A, p.Leu708= (NM_001177431.2); c.1905G>A, p.Leu635= (NM_001177433.2); c.2046G>A, p.Leu682= (NM_147204.3); c.2085G>A, p.Leu695= (NM_001177428.2).
Identifiers: ClinVar variation 386174 (VCV000386174.8), dbSNP rs769329467, ClinGen allele CA6779983.